The following is an entry in ClinVar:

ClinVar aggregate classification (germline): Benign/Likely benign. Review status: criteria provided, multiple submitters, no conflicts (2 of 4 stars). 14 submissions from 14 submitters: Benign (10); Likely benign (1). 3 of the submissions do not count toward it. Last evaluated 2026-09-01.

Conditions:
Myofibrillar myopathy 6. Identifiers: Orphanet 199340, MedGen C2751831, MONDO:0013061, OMIM 612954.
Dilated cardiomyopathy 1HH (CMD1HH). Identifiers: Orphanet 154, MedGen C3151293, MONDO:0013479, OMIM 613881.
Cardiomyopathy (CMYO). Also called: Cardiomyopathies. Identifiers: Orphanet 167848, MedGen C0878544, MONDO:0004994, HP:0001638. Inheritance: Various modes of inheritance.

Submissions (14):

CeGaT Center for Human Genetics Tuebingen
Classification: Benign. Last evaluated: 2026-09-01. Review status: criteria provided, single submitter. Criteria: CeGaT Center For Human Genetics Tuebingen Variant Classification Criteria Version 2. Collection method: clinical testing. Allele origin: germline. Affected: yes. Observed: 9 variant alleles.
Comment: BAG3: BS1, BS2

Labcorp Genetics (formerly Invitae), Labcorp
Classification: Benign for Dilated cardiomyopathy 1HH; Myofibrillar myopathy 6. Last evaluated: 2026-02-02. Review status: criteria provided, single submitter. Criteria: Invitae Variant Classification Sherloc (09022015). Collection method: clinical testing. Allele origin: germline.

ARUP Laboratories, Molecular Genetics and Genomics, ARUP Laboratories
Classification: Benign. Last evaluated: 2025-04-08. Review status: criteria provided, single submitter. Criteria: ARUP Molecular Germline Variant Investigation Process 2024. Collection method: clinical testing. Allele origin: germline.

Mayo Clinic Laboratories, Mayo Clinic
Classification: Benign. Last evaluated: 2023-12-05. Review status: criteria provided, single submitter. Criteria: ACMG Guidelines, 2015. Collection method: clinical testing. Allele origin: germline. Observed: 13 variant alleles.
Comment: BS1, BS2, BP3

CHEO Genetics Diagnostic Laboratory, Children's Hospital of Eastern Ontario
Classification: Benign for Cardiomyopathy. Last evaluated: 2023-01-04. Review status: criteria provided, single submitter. Criteria: ACMG Guidelines, 2015. Collection method: clinical testing. Allele origin: germline.

Molecular Diagnostic Laboratory for Inherited Cardiovascular Disease, Montreal Heart Institute
Classification: Likely benign. Last evaluated: 2019-12-30. Review status: criteria provided, single submitter. Criteria: ACMG Guidelines, 2015. Collection method: clinical testing. Allele origin: germline. Affected: yes.

Athena Diagnostics
Classification: Benign. Last evaluated: 2018-08-09. Review status: criteria provided, single submitter. Criteria: Athena Diagnostics Criteria. Collection method: clinical testing. Allele origin: germline.

Women's Health and Genetics/Laboratory Corporation of America, LabCorp
Classification: Benign. Last evaluated: 2017-08-16. Review status: criteria provided, single submitter. Criteria: LabCorp Variant Classification Summary - May 2015. Collection method: clinical testing. Allele origin: germline.
Comment: Variant summary: The BAG3 c.474_476dupGGC (p.Ala158dup) variant (alternatively also known as c.465_466insGCG) leads to in-frame insertion of one alanine residue in a stretch of six alanine residues in exon 2. Mutation taster predicts a benign outcome for this variant. This variant was found in 241/115882 control chromosomes (3 homozygotes) from ExAC, predominantly observed in the African subpopulation at a frequency of 0.025248 (234/9268). This frequency is about 646 times the estimated maximal expected allele frequency of a pathogenic BAG3 variant (0.0000391), suggesting this is likely a benign polymorphism found primarily in the populations of African origin. In addition, multiple clinical diagnostic laboratories/reputable databases in ClinVar have classified this variant as benign. To our knowledge, this variant t has not been reported in affected individuals via publications, nor has it been evaluated for functional impact by in vivo/vitro studies. Taken together, this variant is classified as benign.

Eurofins Ntd Llc (ga)
Classification: Benign. Last evaluated: 2014-12-16. Review status: criteria provided, single submitter. Criteria: EGL Classification Definitions. Collection method: clinical testing. Allele origin: germline. Observed: 1 variant allele, 1 heterozygote.

GeneDx
Classification: Benign. Last evaluated: 2014-05-01. Review status: criteria provided, single submitter. Criteria: GeneDx Variant Classification (06012015). Collection method: clinical testing. Allele origin: germline. Affected: yes.
Comment: The variant is found in CARDIOMYOPATHY panel(s).

Laboratory for Molecular Medicine, Mass General Brigham Personalized Medicine
Classification: Benign. Last evaluated: 2012-11-19. Review status: criteria provided, single submitter. Criteria: LMM Criteria. Collection method: clinical testing. Allele origin: germline. Observed: 13 variant alleles.
Comment: Ala160_Gln161insAla in exon 2 of BAG3: This variant adds fourth copy to a string of 3 consecutive GGC repeats, which results in the insertion of an alanine (Ala ) residue in a string of 6 alanines. This variant is not expected to have clinic al significance because it has been identified in 2.8% (117/4168) of African Ame rican chromosomes from a broad population by the NHLBI Exome Sequencing Project (dbSNP rs139438727).

Clinical Genetics, Academic Medical Center
Classification: Benign. Review status: no assertion criteria provided. Collection method: clinical testing. Allele origin: germline. Affected: yes. Study: VKGL Data-share Consensus. Not counted in ClinVar's aggregate classification.

Diagnostic Laboratory, Department of Genetics, University Medical Center Groningen
Classification: Benign. Review status: no assertion criteria provided. Collection method: clinical testing. Allele origin: germline. Affected: yes. Study: VKGL Data-share Consensus. Not counted in ClinVar's aggregate classification.

Genome Diagnostics Laboratory, University Medical Center Utrecht
Classification: Benign. Review status: no assertion criteria provided. Collection method: clinical testing. Allele origin: germline. Affected: yes. Study: VKGL Data-share Consensus. Not counted in ClinVar's aggregate classification.

Literature cited by the submitters: PubMed 30471092 (cited by Mayo Clinic Laboratories, Mayo Clinic).

NM_004281.4(BAG3):c.468GGC[4] (p.Ala160dup)

Gene: BAG3 (BAG cochaperone 3; plus strand). Cytogenetic location: 10q26.11.
Variant type: Microsatellite.
Coding change: c.468GGC[4] on transcript NM_004281.4 (MANE Select); four copies in a row of the 3-base unit GGC starting at c.468; the reference has three copies in a row; one copy, 3 bases duplicated.
Protein change: p.Ala160dup; duplicates alanine 160.
Molecular consequence: inframe insertion.
Genome position (GRCh38, 1-based): chr10:119,670,144-119,670,146, GGC duplicated; duplicating any 3 consecutive bases within chr10:119,670,136-119,670,146 gives the same sequence; the position shown is the placement nearest the transcript's 3' end. VCF-style (leftmost placement, unchanged base first): chr10-119670135-A-AGCG. GRCh37 (hg19) VCF-style: chr10-121429647-A-AGCG.
Other names: p.Ala160_Gln161insAla; p.Ala160dup; c.465_466insGCG (NM_004281.3); c.474_476dupGGC (NM_004281.3); c.476_477insGGC (NM_004281.3).
Identifiers: ClinVar variation 44785 (VCV000044785.64), dbSNP rs139438727, ClinGen allele CA282470.